The following is an entry in ClinVar:

NM_020937.4(FANCM):c.5197C>G (p.Gln1733Glu)

Gene: FANCM (FA complementation group M; plus strand). Cytogenetic location: 14q21.2.
Variant type: single nucleotide variant.
Coding change: c.5197C>G on transcript NM_020937.4 (MANE Select); coding-DNA position 5197, C replaced by G.
Protein change: p.Gln1733Glu; replaces glutamine 1733 with glutamic acid.
Molecular consequence: missense variant.
Genome position (GRCh38, 1-based): chr14:45,189,219, C>G. VCF-style: chr14-45189219-C-G. GRCh37 (hg19) VCF-style: chr14-45658422-C-G.
Other names: c.5119C>G, p.Gln1707Glu (NM_001308133.2); short protein forms Q1733E, Q1707E.
Identifiers: ClinVar variation 858185 (VCV000858185.10), dbSNP rs374587255, ClinGen allele CA7169927.

ClinVar aggregate classification (germline): Uncertain significance. Review status: criteria provided, multiple submitters, no conflicts (2 of 4 stars). 2 submissions from 2 submitters: Uncertain significance (2). Last evaluated 2024-07-29.

Conditions:
Fanconi anemia (FA). Also called: Fanconi's anemia. Identifiers: Orphanet 84, MedGen C0015625, MeSH D005199, MONDO:0019391.

Allele frequency attached by ClinVar (database versions not stated): ESP Exome Variant Server 0.00008.
gnomAD v4.1: 3 of 1,614,118 alleles (0.00019%); highest among the groups gnomAD compares: Admixed American, 0.0017%; no homozygotes.

Submissions (2):

Labcorp Genetics (formerly Invitae), Labcorp
Classification: Uncertain significance for Fanconi anemia. Last evaluated: 2024-07-29. Review status: criteria provided, single submitter. Criteria: Invitae Variant Classification Sherloc (09022015). Collection method: clinical testing. Allele origin: germline.
Comment: This sequence change replaces glutamine, which is neutral and polar, with glutamic acid, which is acidic and polar, at codon 1733 of the FANCM protein (p.Gln1733Glu). This variant is present in population databases (rs374587255, gnomAD 0.003%). This variant has not been reported in the literature in individuals affected with FANCM-related conditions. ClinVar contains an entry for this variant (Variation ID: 858185). An algorithm developed to predict the effect of missense changes on protein structure and function (PolyPhen-2) suggests that this variant¬†is likely to be tolerated. In summary, the available evidence is currently insufficient to determine the role of this variant in disease. Therefore, it has been classified as a Variant of Uncertain Significance.

GeneDx
Classification: Uncertain significance. Last evaluated: 2020-12-04. Review status: criteria provided, single submitter. Criteria: GeneDx Variant Classification Process June 2021. Collection method: clinical testing. Allele origin: germline. Affected: yes.
Comment: Not observed at a significant frequency in large population cohorts (Lek 2016); In silico analysis supports that this missense variant does not alter protein structure/function; Has not been previously published as pathogenic or benign to our knowledge